The following is an entry in ClinVar:

ClinVar aggregate classification (germline): Uncertain significance (1 of 4 stars; one submission).

gnomAD v4.1: 5 of 1,614,104 alleles (0.00031%); highest among the groups gnomAD compares: African/African-American, 0.0027%; no homozygotes.

Submission:

Labcorp Genetics (formerly Invitae), Labcorp
Classification: Uncertain significance. Last evaluated: 2024-06-25. Review status: criteria provided, single submitter. Criteria: Invitae Variant Classification Sherloc (09022015). Collection method: clinical testing. Allele origin: germline.
Comment: This sequence change replaces arginine, which is basic and polar, with lysine, which is basic and polar, at codon 1593 of the MYH3 protein (p.Arg1593Lys). This variant is present in population databases (rs781003211, gnomAD 0.01%). This variant has not been reported in the literature in individuals affected with MYH3-related conditions. Advanced modeling of protein sequence and biophysical properties (such as structural, functional, and spatial information, amino acid conservation, physicochemical variation, residue mobility, and thermodynamic stability) performed at Invitae indicates that this missense variant is not expected to disrupt MYH3 protein function with a negative predictive value of 95%. In summary, the available evidence is currently insufficient to determine the role of this variant in disease. Therefore, it has been classified as a Variant of Uncertain Significance.

NM_002470.4(MYH3):c.4778G>A (p.Arg1593Lys)

Gene: MYH3 (myosin heavy chain 3; minus strand). Cytogenetic location: 17p13.1.
Variant type: single nucleotide variant.
Coding change: c.4778G>A on transcript NM_002470.4 (MANE Select); coding-DNA position 4778, G replaced by A.
Protein change: p.Arg1593Lys; replaces arginine 1593 with lysine.
Molecular consequence: missense variant.
Genome position (GRCh38, 1-based): chr17:10,632,654, C>T on the plus strand (G>A on the coding strand, the complement: MYH3 is on the minus strand). VCF-style: chr17-10632654-C-T. GRCh37 (hg19) VCF-style: chr17-10535971-C-T.
Other names: short protein forms R1593K.
Identifiers: ClinVar variation 3673732 (VCV003673732.2).